The following is an entry in ClinVar:

NM_024675.4(PALB2):c.410G>T (p.Gly137Val)

Gene: PALB2 (partner and localizer of BRCA2; minus strand). Cytogenetic location: 16p12.2.
Variant type: single nucleotide variant.
Coding change: c.410G>T on transcript NM_024675.4 (MANE Select); coding-DNA position 410, G replaced by T.
Protein change: p.Gly137Val; replaces glycine 137 with valine.
Molecular consequence: missense variant.
Genome position (GRCh38, 1-based): chr16:23,636,136, C>A on the plus strand (G>T on the coding strand, the complement: PALB2 is on the minus strand). VCF-style: chr16-23636136-C-A. GRCh37 (hg19) VCF-style: chr16-23647457-C-A.
Other names: short protein forms G137V.
Identifiers: ClinVar variation 571608 (VCV000571608.9), dbSNP rs1567222904, ClinGen allele CA395137368.
Genomic context (GRCh38, chr16:23,636,136, plus strand): 5'-GAAATAAATGTCCTCTTCTGCTGCTTCTTTCTTCTGCTTGGCAGCTTCTGCTTTTGCTCA[C>A]CACTAGGGTCACTGACCCTGTGGGGAAAATGTTCTTGGGTGTCATCTGTTCTTTGTATAG-3'
Protein context (NP_078951.2, residues 127-147): HFPHRVSDPS[Gly137Val]EQKQKLPSRR

ClinVar aggregate classification (germline): Uncertain significance (1 of 4 stars; one submission).

Conditions:
Familial cancer of breast. Also called: hereditary breast carcinoma; BREAST CANCER, FAMILIAL; Hereditary breast cancer. Identifiers: Orphanet 227535, MedGen C0346153, MONDO:0016419, OMIM 114480. Disease mechanism: loss of function.

Submission:

Labcorp Genetics (formerly Invitae), Labcorp
Classification: Uncertain significance for Familial cancer of breast. Last evaluated: 2025-12-07. Review status: criteria provided, single submitter. Criteria: Invitae Variant Classification Sherloc (09022015). Collection method: clinical testing. Allele origin: germline.
Comment: This sequence change replaces glycine, which is neutral and non-polar, with valine, which is neutral and non-polar, at codon 137 of the PALB2 protein (p.Gly137Val). This variant is not present in population databases (gnomAD no frequency). This variant has not been reported in the literature in individuals affected with PALB2-related conditions. ClinVar contains an entry for this variant (Variation ID: 571608). An algorithm developed to predict the effect of missense changes on protein structure and function (PolyPhen-2) suggests that this variant is likely to be tolerated. In summary, the available evidence is currently insufficient to determine the role of this variant in disease. Therefore, it has been classified as a Variant of Uncertain Significance.